The following is an entry in ClinVar:

ClinVar aggregate classification (germline): Pathogenic. Review status: criteria provided, multiple submitters, no conflicts (2 of 4 stars). 3 submissions from 3 submitters: Pathogenic (2). 1 of the submissions does not count toward it. Last evaluated 2024-10-22.

Conditions:
Treacher Collins syndrome 1 (TCS1). Also called: TCOF1-Related Treacher Collins Syndrome. Identifiers: Orphanet 861, MedGen CN315775, MONDO:0007944, OMIM 154500.
TCOF1-related disorder. Also called: TCOF1-related condition.

Submissions (3):

Labcorp Genetics (formerly Invitae), Labcorp
Classification: Pathogenic for Treacher Collins syndrome 1. Last evaluated: 2024-10-22. Review status: criteria provided, single submitter. Criteria: Invitae Variant Classification Sherloc (09022015). Collection method: clinical testing. Allele origin: germline.
Comment: This sequence change creates a premature translational stop signal (p.Glu704Aspfs*52) in the TCOF1 gene. It is expected to result in an absent or disrupted protein product. Loss-of-function variants in TCOF1 are known to be pathogenic (PMID: 8894686, 22317976). This variant is not present in population databases (gnomAD no frequency). This premature translational stop signal has been observed in individual(s) with Treacher Collins syndrome (PMID: 9042910). This variant is also known as nt1879del(GAGAA). For these reasons, this variant has been classified as Pathogenic.

3billion
Classification: Pathogenic for Treacher Collins syndrome 1. Last evaluated: 2022-09-01. Review status: criteria provided, single submitter. Criteria: ACMG Guidelines, 2015. Collection method: clinical testing. Allele origin: germline. Affected: yes. Observed: 1 heterozygote.
Comment: The variant is not observed in the gnomAD v2.1.1 dataset. Frameshift variant is predicted to result in a loss or disruption of normal protein function through nonsense-mediated decay (NMD) or protein truncation. Multiple pathogenic variants are reported downstream of the variant. The variant has been reported to be associated with TCOF1-related disorder (PMID: 9042910). Therefore, this variant is classified as Pathogenic according to the recommendation of ACMG/AMP guideline.

PreventionGenetics, part of Exact Sciences
Classification: Pathogenic for TCOF1-related condition. Last evaluated: 2024-05-31. Review status: no assertion criteria provided. Collection method: clinical testing. Allele origin: germline. Not counted in ClinVar's aggregate classification.
Comment: The TCOF1 c.2112_2116del5 variant is predicted to result in a frameshift and premature protein termination (p.Glu704Aspfs*52). This variant has been reported in an individual with Treacher Collins syndrome (nt1879 del(GAGAA) in Edwards et al. 1997. PubMed ID: 9042910). This variant has not been reported in a large population database, indicating this variant is rare. Frameshift variants in TCOF1 are expected to be pathogenic. This variant is interpreted as pathogenic.

Literature cited by the submitters: PubMed 8894686 (cited by Labcorp Genetics (formerly Invitae), Labcorp); PubMed 22317976 (cited by Labcorp Genetics (formerly Invitae), Labcorp); PubMed 9042910 (cited by Labcorp Genetics (formerly Invitae), Labcorp and 3billion).

NM_001371623.1(TCOF1):c.2112_2116del (p.Glu704fs)

Gene: TCOF1 (treacle ribosome biogenesis factor 1; plus strand). Cytogenetic location: 5q32.
Variant type: Microsatellite.
Coding change: c.2112_2116del on transcript NM_001371623.1 (MANE Select); coding-DNA positions 2112 to 2116, 5 bases deleted (GAAGA; older notation c.2112_2116delGAAGA).
Protein change: p.Glu704fs; shifts the reading frame from glutamic acid 704.
Molecular consequence: frameshift variant.
Genome position (GRCh38, 1-based): chr5:150,376,300-150,376,304, GAAGA deleted; deleting any 5 consecutive bases within chr5:150,376,295-150,376,304 gives the same sequence; the c. name uses the placement nearest the transcript's 3' end. VCF-style (leftmost placement, unchanged base first): chr5-150376294-GGAAGA-G. GRCh37 (hg19) VCF-style: chr5-149755857-GGAAGA-G.
Other names: c.1881_1885del, p.Glu627fs (NM_000356.4, NM_001135245.2); c.2112_2116del5 (NM_001135243.1); c.2112_2116del, p.Glu704fs (NM_001008657.3, NM_001135243.2, NM_001135244.2 and 1 more transcripts); short protein forms E627fs, E704fs.
Identifiers: ClinVar variation 1705551 (VCV001705551.4), dbSNP rs2533519249, ClinGen allele CA2580614782.
Genomic context (GRCh38, chr5:150,376,294, plus strand): 5'-GGCTGGGGGCACCCAGAGACCAGCAGAGGATTCTTCAAGCAGTGAGGAATCAGATAGTGA[GGAAGA>G]GAAGACAGGTCTTGCAGTAACCGTGGGACAGGTGAGGCCTGTGTTTTCTGGGCGGGCCTC-3'